The following is an entry in ClinVar:

NM_020117.11(LARS1):c.2554A>G (p.Ile852Val)

Gene: LARS1 (leucyl-tRNA synthetase 1; minus strand). Cytogenetic location: 5q32.
Variant type: single nucleotide variant.
Coding change: c.2554A>G on transcript NM_020117.11 (MANE Select); coding-DNA position 2554, A replaced by G.
Protein change: p.Ile852Val; replaces isoleucine 852 with valine.
Molecular consequence: missense variant.
Genome position (GRCh38, 1-based): chr5:146,130,092, T>C on the plus strand (A>G on the coding strand, the complement: LARS1 is on the minus strand). VCF-style: chr5-146130092-T-C. GRCh37 (hg19) VCF-style: chr5-145509655-T-C.
Other names: c.2416A>G, p.Ile806Val (NM_001317964.2); c.2392A>G, p.Ile798Val (NM_001317965.2); c.2473A>G, p.Ile825Val (NM_016460.4); short protein forms I806V, I825V, I852V, I798V.
Identifiers: ClinVar variation 2845413 (VCV002845413.3), dbSNP rs2532781440, ClinGen allele CA361603581.
Genomic context (GRCh38, chr5:146,130,092, plus strand): 5'-TCCAGATGTGCTCACACAAATGTGGACAGAATGGAGCGAGGAGAAGTGTCTGAACTTCAA[T>C]AAACCGGAACACAAGTTCTCTGTGCATCCCTTCCACAGCCAATTCACGGTACTTATCTTT-3'
Protein context (NP_064502.9, residues 842-862): GMHRELVFRF[Ile852Val]EVQTLLLAPF

ClinVar aggregate classification (germline): Uncertain significance (1 of 4 stars; one submission).

Submission:

Labcorp Genetics (formerly Invitae), Labcorp
Classification: Uncertain significance. Last evaluated: 2023-03-13. Review status: criteria provided, single submitter. Criteria: Invitae Variant Classification Sherloc (09022015). Collection method: clinical testing. Allele origin: germline.
Comment: This sequence change replaces isoleucine, which is neutral and non-polar, with valine, which is neutral and non-polar, at codon 852 of the LARS protein (p.Ile852Val). In summary, the available evidence is currently insufficient to determine the role of this variant in disease. Therefore, it has been classified as a Variant of Uncertain Significance. Advanced modeling of protein sequence and biophysical properties (such as structural, functional, and spatial information, amino acid conservation, physicochemical variation, residue mobility, and thermodynamic stability) performed at Invitae indicates that this missense variant is not expected to disrupt LARS protein function. This variant has not been reported in the literature in individuals affected with LARS-related conditions. This variant is not present in population databases (gnomAD no frequency).